The following is an entry in ClinVar:

ClinVar aggregate classification (germline): Pathogenic (1 of 4 stars; one submission).

Submission:

Labcorp Genetics (formerly Invitae), Labcorp
Classification: Pathogenic. Last evaluated: 2025-11-05. Review status: criteria provided, single submitter. Criteria: Invitae Variant Classification Sherloc (09022015). Collection method: clinical testing. Allele origin: germline.
Comment: This sequence change creates a premature translational stop signal (p.Thr1339Profs*22) in the POLE gene. It is expected to result in an absent or disrupted protein product. Loss-of-function variants in POLE are known to be pathogenic (PMID: 23230001, 25948378, 30503519). This variant is not present in population databases (gnomAD no frequency). This variant has not been reported in the literature in individuals affected with POLE-related conditions. For these reasons, this variant has been classified as Pathogenic.

Literature cited by the submitters: PubMed 23230001; PubMed 25948378; PubMed 30503519.

NM_006231.4(POLE):c.4014del (p.Thr1339fs)

Gene: POLE (DNA polymerase epsilon, catalytic subunit; minus strand). Cytogenetic location: 12q24.33.
Variant type: Deletion.
Coding change: c.4014del on transcript NM_006231.4 (MANE Select); coding-DNA position 4014, one base deleted (G; older notation c.4014delG).
Protein change: p.Thr1339fs; shifts the reading frame from threonine 1339.
Molecular consequence: frameshift variant.
Genome position (GRCh38, 1-based): chr12:132,649,064, C deleted on the plus strand (G on the coding strand, the reverse complement: POLE is on the minus strand). VCF-style (leftmost placement, unchanged base first): chr12-132649063-TC-T. GRCh37 (hg19) VCF-style: chr12-133225649-TC-T.
Other names: short protein forms T1339fs.
Identifiers: ClinVar variation 4798885 (VCV004798885.1).